The following is an entry in ClinVar:

NM_001378183.1(PIEZO2):c.8161+1G>A

Gene: PIEZO2 (piezo type mechanosensitive ion channel component 2; minus strand). Cytogenetic location: 18p11.22.
Variant type: single nucleotide variant.
Coding change: c.8161+1G>A on transcript NM_001378183.1 (MANE Select); the canonical splice donor site of the intron after coding-DNA position 8161, G replaced by A.
Molecular consequence: splice donor variant.
Genome position (GRCh38, 1-based): chr18:10,675,208, C>T on the plus strand (G>A on the coding strand, the complement: PIEZO2 is on the minus strand). VCF-style: chr18-10675208-C-T. GRCh37 (hg19) VCF-style: chr18-10675205-C-T.
Other names: c.7822+1G>A (NM_022068.4); c.7897+1G>A (NM_001410871.1).
Identifiers: ClinVar variation 3376643 (VCV003376643.1).
Genomic context (GRCh38, chr18:10,675,208, plus strand): 5'-GTTGAAATTGAATAAAACTAGGATTGAAAACAATTCTGAAACAAATTTTTCTCATTCTTA[C>T]CAGATAAAAGTTGCTTTATAGGTTTTGAGTTAGAATCACTAGGTGCTTTCACATAATATG-3'

ClinVar aggregate classification (germline): Pathogenic (1 of 4 stars; one submission).

Conditions:
Arthrogryposis, distal, with impaired proprioception and touch (DAIPT). Identifiers: MedGen C4310692, MONDO:0014941, OMIM 617146.

Submission:

Victorian Clinical Genetics Services, Murdoch Childrens Research Institute
Classification: Pathogenic for Arthrogryposis, distal, with impaired proprioception and touch. Last evaluated: 2022-09-02. Review status: criteria provided, single submitter. Criteria: ACMG Guidelines, 2015. Collection method: clinical testing. Allele origin: germline. Inheritance: Autosomal recessive inheritance. Affected: yes.
Comment: Based on the classification scheme VCGS_Germline_v1.3.4, this variant is classified as Pathogenic. Following criteria are met: 0103 - Loss of function and gain of function are known mechanisms of disease in this gene and are associated with arthrogryposis. Loss of function has generally been shown to be caused by NMD variants whereas gain of function has generally been associated with missense variants clustered in the C-terminal (PMID: 30988732). (I) 0108 - This gene is associated with both recessive and dominant disease. NMD variants are associated with recessive disease while missense variants are associated with dominant diseease (PMID: 30988732). The phenotypes have been recently regarded as etiologically related (PMID: 24726473). (I) 0211 - Canonical splice site variant without proven consequence on splicing (no functional evidence available). (SP) 0251 - This variant is heterozygous. (I) 0304 - Variant is present in gnomAD v3 <0.01 for a condition (1 heterozygote, 0 homozygotes). (SP) 0505 - Abnormal splicing is predicted by in silico tools and affected nucleotide is highly conserved. (SP) 0705 - No comparable splice region variants have previous evidence for pathogenicity. (I) 0807 - This variant has no previous evidence of pathogenicity. (I) 0905 - No published segregation evidence has been identified for this variant. (I) 1007 - No published functional evidence has been identified for this variant. (I) 1201 - Heterozygous variant detected in trans with a second pathogenic heterozygous variant (NM_022068.3(PIEZO2):c.1609delA; p.(Arg537Glufs*5)) in a recessive disease. (I) Legend: (SP) - Supporting pathogenic, (I) - Information, (SB) - Supporting benign

Literature cited by the submitters: PubMed 24726473; PubMed 30988732.